The following is an entry in ClinVar:

ClinVar aggregate classification (germline): Uncertain significance (1 of 4 stars; one submission).

Conditions:
DICER1-related tumor predisposition. Also called: DICER1-related pleuropulmonary blastoma cancer predisposition syndrome; DICER1 syndrome. Identifiers: Orphanet 284343, MedGen C3839822, MONDO:0100216.

Submission:

Labcorp Genetics (formerly Invitae), Labcorp
Classification: Uncertain significance for DICER1-related tumor predisposition. Last evaluated: 2025-11-30. Review status: criteria provided, single submitter. Criteria: Invitae Variant Classification Sherloc (09022015). Collection method: clinical testing. Allele origin: germline.
Comment: This sequence change replaces arginine, which is basic and polar, with proline, which is neutral and non-polar, at codon 906 of the DICER1 protein (p.Arg906Pro). This variant is not present in population databases (gnomAD no frequency). This variant has not been reported in the literature in individuals affected with DICER1-related conditions. Invitae Evidence Modeling of protein sequence and biophysical properties (such as structural, functional, and spatial information, amino acid conservation, physicochemical variation, residue mobility, and thermodynamic stability) indicates that this missense variant is not expected to disrupt DICER1 protein function with a negative predictive value of 95%. In summary, the available evidence is currently insufficient to determine the role of this variant in disease. Therefore, it has been classified as a Variant of Uncertain Significance.

NM_177438.3(DICER1):c.2717G>C (p.Arg906Pro)

Gene: DICER1 (dicer 1, ribonuclease III; minus strand). Cytogenetic location: 14q32.13.
Variant type: single nucleotide variant.
Coding change: c.2717G>C on transcript NM_177438.3 (MANE Select); coding-DNA position 2717, G replaced by C.
Protein change: p.Arg906Pro; replaces arginine 906 with proline.
Molecular consequence: missense variant. On other transcripts: non-coding transcript variant (6).
Genome position (GRCh38, 1-based): chr14:95,107,695, C>G on the plus strand (G>C on the coding strand, the complement: DICER1 is on the minus strand). VCF-style: chr14-95107695-C-G. GRCh37 (hg19) VCF-style: chr14-95574032-C-G.
Other names: c.2150G>C, p.Arg717Pro (NM_001395691.1); c.2717G>C, p.Arg906Pro (NM_001395692.1, NM_001395693.1, NM_001395694.1 and 12 more transcripts); c.2312G>C, p.Arg771Pro (NM_001395696.1, NM_001395687.1, NM_001395688.1 and 2 more transcripts); c.1034G>C, p.Arg345Pro (NM_001395697.1); c.2435G>C, p.Arg812Pro (NM_001395686.1); short protein forms R345P, R717P, R771P, R812P, R906P.
Identifiers: ClinVar variation 4746825 (VCV004746825.1).